The following is an entry in ClinVar:

NM_002180.3(IGHMBP2):c.1749C>T (p.Asn583=)

Gene: IGHMBP2 (immunoglobulin mu DNA binding protein 2; plus strand). Cytogenetic location: 11q13.3.
Variant type: single nucleotide variant.
Coding change: c.1749C>T on transcript NM_002180.3 (MANE Select); coding-DNA position 1749, C replaced by T.
Protein change: p.Asn583=; no amino-acid change (asparagine 583 retained).
Molecular consequence: synonymous variant.
Genome position (GRCh38, 1-based): chr11:68,935,415, C>T. VCF-style: chr11-68935415-C-T. GRCh37 (hg19) VCF-style: chr11-68702883-C-T.
Identifiers: ClinVar variation 509020 (VCV000509020.12), dbSNP rs922075405, ClinGen allele CA223412162.
Genomic context (GRCh38, chr11:68,935,415, plus strand): 5'-TGTCGATGGCTTCCAAGGCCGAGAGAAGGAGGCCGTGATACTGTCCTTCGTCAGATCCAA[C>T]AGGAAAGGTACGGAGCCCTCGCCAGAGTCCTTTGGGGACAGCACAGAAGTGAATTTATTG-3'
Protein context (NP_002171.2, residues 573-593): EAVILSFVRS[Asn583=]RKGEVGFLAE

ClinVar aggregate classification (germline): Likely benign. Review status: criteria provided, multiple submitters, no conflicts (2 of 4 stars). 3 submissions from 3 submitters: Likely benign (3). Last evaluated 2023-11-01.

Conditions:
Inborn genetic diseases. Identifiers: MedGen C0950123, MeSH D030342.
Charcot-Marie-Tooth disease axonal type 2S. Also called: CHARCOT-MARIE-TOOTH NEUROPATHY, TYPE 2S; CHARCOT-MARIE-TOOTH DISEASE, AXONAL, AUTOSOMAL RECESSIVE, TYPE 2S. Identifiers: Orphanet 443073, MedGen C4015349, MONDO:0014511, OMIM 616155.
Autosomal recessive distal spinal muscular atrophy 1. Also called: HMN VI; NEURONOPATHY, SEVERE INFANTILE AXONAL, WITH RESPIRATORY FAILURE; SEVERE INFANTILE AXONAL NEUROPATHY WITH RESPIRATORY FAILURE; SPINAL MUSCULAR ATROPHY, DIAPHRAGMATIC; Spinal muscular atrophy with respiratory distress 1; NEURONOPATHY, DISTAL HEREDITARY MOTOR, HARDING TYPE VI. Identifiers: Orphanet 98920, MedGen C1858517, MONDO:0011436, OMIM 604320.

Allele frequency attached by ClinVar (database versions not stated): gnomAD exomes 0.00001; gnomAD 0.00003 and 0.00004; TOPMed 0.00003.
gnomAD v4.1: 10 of 1,613,950 alleles (0.00062%); highest among the groups gnomAD compares: African/African-American, 0.012%; no homozygotes.

Submissions (3):

Labcorp Genetics (formerly Invitae), Labcorp
Classification: Likely benign for Autosomal recessive distal spinal muscular atrophy 1; Charcot-Marie-Tooth disease axonal type 2S. Last evaluated: 2023-11-01. Review status: criteria provided, single submitter. Criteria: Invitae Variant Classification Sherloc (09022015). Collection method: clinical testing. Allele origin: germline.

Ambry Genetics
Classification: Likely benign for Inborn genetic diseases. Last evaluated: 2019-07-11. Review status: criteria provided, single submitter. Criteria: Ambry Variant Classification Scheme 2023. Collection method: clinical testing. Allele origin: germline.

GeneDx
Classification: Likely benign. Last evaluated: 2017-04-17. Review status: criteria provided, single submitter. Criteria: GeneDx Variant Classification (06012015). Collection method: clinical testing. Allele origin: germline. Affected: yes.
Comment: This variant is considered likely benign or benign based on one or more of the following criteria: it is a conservative change, it occurs at a poorly conserved position in the protein, it is predicted to be benign by multiple in silico algorithms, and/or has population frequency not consistent with disease.